The following is an entry in ClinVar:

NM_000507.4(FBP1):c.915C>T (p.Asp305=)

Gene: FBP1 (fructose-bisphosphatase 1; minus strand). Cytogenetic location: 9q22.32.
Variant type: single nucleotide variant.
Coding change: c.915C>T on transcript NM_000507.4 (MANE Select); coding-DNA position 915, C replaced by T.
Protein change: p.Asp305=; no amino-acid change (aspartic acid 305 retained).
Molecular consequence: synonymous variant.
Genome position (GRCh38, 1-based): chr9:94,603,483, G>A on the plus strand (C>T on the coding strand, the complement: FBP1 is on the minus strand). VCF-style: chr9-94603483-G-A. GRCh37 (hg19) VCF-style: chr9-97365765-G-A.
Other names: c.915C>T, p.Asp305= (NM_001127628.2).
Identifiers: ClinVar variation 513962 (VCV000513962.35), dbSNP rs762285012, ClinGen allele CA5136074.

ClinVar aggregate classification (germline): Likely benign. Review status: criteria provided, multiple submitters, no conflicts (2 of 4 stars). 3 submissions from 3 submitters: Likely benign (3). Last evaluated 2024-03-21.

Conditions:
Fructose-biphosphatase deficiency (FBP1D). Also called: Fructose 1,6 Bisphosphatase Deficiency; Fructose-1,6-Bisphosphatase 1 Deficiency; Fructose-1,6-Diphosphatase Deficiency. Identifiers: Orphanet 348, MedGen C0016756, MONDO:0009251, OMIM 229700.

Allele frequency attached by ClinVar (database versions not stated): TOPMed 0.00002; ExAC 0.00003; gnomAD exomes 0.00003; gnomAD 0.00005 and 0.00006.
gnomAD v4.1: 61 of 1,614,082 alleles (0.0038%); highest among the groups gnomAD compares: Middle Eastern, 0.18%; no homozygotes.

Submissions (3):

Labcorp Genetics (formerly Invitae), Labcorp
Classification: Likely benign for Fructose-biphosphatase deficiency. Last evaluated: 2024-03-21. Review status: criteria provided, single submitter. Criteria: Invitae Variant Classification Sherloc (09022015). Collection method: clinical testing. Allele origin: germline.

CeGaT Center for Human Genetics Tuebingen
Classification: Likely benign. Last evaluated: 2022-03-01. Review status: criteria provided, single submitter. Criteria: CeGaT Center For Human Genetics Tuebingen Variant Classification Criteria Version 2. Collection method: clinical testing. Allele origin: germline. Affected: yes. Observed: 1 variant allele.
Comment: FBP1: BP4, BP7

GeneDx
Classification: Likely benign. Last evaluated: 2017-12-26. Review status: criteria provided, single submitter. Criteria: GeneDx Variant Classification (06012015). Collection method: clinical testing. Allele origin: germline. Affected: yes.
Comment: This variant is considered likely benign or benign based on one or more of the following criteria: it is a conservative change, it occurs at a poorly conserved position in the protein, it is predicted to be benign by multiple in silico algorithms, and/or has population frequency not consistent with disease.